The following is an entry in ClinVar:

NM_020686.6(ABAT):c.190A>G (p.Ile64Val)

Gene: ABAT (4-aminobutyrate aminotransferase; plus strand). Cytogenetic location: 16p13.2.
Variant type: single nucleotide variant.
Coding change: c.190A>G on transcript NM_020686.6 (MANE Select); coding-DNA position 190, A replaced by G.
Protein change: p.Ile64Val; replaces isoleucine 64 with valine.
Molecular consequence: missense variant. On other transcripts: intron variant (1).
Genome position (GRCh38, 1-based): chr16:8,748,129, A>G. VCF-style: chr16-8748129-A-G. GRCh37 (hg19) VCF-style: chr16-8841986-A-G.
Other names: p.Ile64Val; c.55A>G, p.Ile19Val (NM_001386612.1, NM_001386613.1, NM_001386611.1); c.190A>G, p.Ile64Val (NM_001386615.1, NM_001386616.1, NM_000663.5 and 11 more transcripts); c.71-9628A>G (NM_001386614.1); c.92A>G, p.Tyr31Cys (NM_001386610.1); short protein forms I64V, I19V, Y31C.
Identifiers: ClinVar variation 641881 (VCV000641881.12), dbSNP rs756209600, ClinGen allele CA7893007.

ClinVar aggregate classification (germline): Uncertain significance. Review status: criteria provided, multiple submitters, no conflicts (2 of 4 stars). 2 submissions from 2 submitters: Uncertain significance (2). Last evaluated 2023-07-10.

Conditions:
Gamma-aminobutyric acid transaminase deficiency (GABATD). Also called: GABA aminotransaminase deficiency; GABA transaminase deficiency; Gamma aminobutyrate transaminase deficiency; 4 alpha aminobutyrate transaminase deficiency. Identifiers: Orphanet 2066, MedGen C0342708, MONDO:0013166, OMIM 613163.

Allele frequency attached by ClinVar (database versions not stated): ExAC 0.00002; gnomAD exomes 0.00002 and 0.00005; gnomAD 0.00006 and 0.00007; TOPMed 0.00006.
gnomAD v4.1: 80 of 1,613,482 alleles (0.005%); highest among the groups gnomAD compares: Non-Finnish European, 0.0063%; no homozygotes.

Submissions (2):

Labcorp Genetics (formerly Invitae), Labcorp
Classification: Uncertain significance for Gamma-aminobutyric acid transaminase deficiency. Last evaluated: 2023-07-10. Review status: criteria provided, single submitter. Criteria: Invitae Variant Classification Sherloc (09022015). Collection method: clinical testing. Allele origin: germline.
Comment: This sequence change replaces isoleucine, which is neutral and non-polar, with valine, which is neutral and non-polar, at codon 64 of the ABAT protein (p.Ile64Val). This variant is present in population databases (rs756209600, gnomAD 0.006%). This variant has not been reported in the literature in individuals affected with ABAT-related conditions. ClinVar contains an entry for this variant (Variation ID: 641881). Advanced modeling of protein sequence and biophysical properties (such as structural, functional, and spatial information, amino acid conservation, physicochemical variation, residue mobility, and thermodynamic stability) performed at Invitae indicates that this missense variant is not expected to disrupt ABAT protein function. In summary, the available evidence is currently insufficient to determine the role of this variant in disease. Therefore, it has been classified as a Variant of Uncertain Significance.

Mayo Clinic Laboratories, Mayo Clinic
Classification: Uncertain significance. Last evaluated: 2021-06-28. Review status: criteria provided, single submitter. Criteria: ACMG Guidelines, 2015. Collection method: clinical testing. Allele origin: germline.